The following is an entry in ClinVar:

ClinVar aggregate classification (germline): Uncertain significance (0 of 4 stars; one submission).

Conditions:
HTR2C-related disorder. Also called: HTR2C-related condition.

gnomAD v4.1: 1 of 1,211,520 alleles (0.000083%); highest among the groups gnomAD compares: South Asian, 0.0018%; no homozygotes.

Submission:

PreventionGenetics, part of Exact Sciences
Classification: Uncertain significance for HTR2C-related condition. Last evaluated: 2024-01-03. Review status: no assertion criteria provided. Collection method: clinical testing. Allele origin: germline.
Comment: The HTR2C c.1310A>C variant is predicted to result in the amino acid substitution p.Gln437Pro. To our knowledge, this variant has not been reported in the literature or in a large population database, indicating this variant is rare. At this time, the clinical significance of this variant is uncertain due to the absence of conclusive functional and genetic evidence.

NM_000868.4(HTR2C):c.1310A>C (p.Gln437Pro)

Genes: HTR2C (5-hydroxytryptamine receptor 2C; plus strand), LOC126863306 (MED14-independent group 3 enhancer GRCh37_chrX:114140926-114142125; plus strand). Cytogenetic location: Xq23.
Variant type: single nucleotide variant.
Coding change: c.1310A>C on transcript NM_000868.4 (MANE Select); coding-DNA position 1310, A replaced by C.
Protein change: p.Gln437Pro; replaces glutamine 437 with proline.
Molecular consequence: missense variant. On other transcripts: 3 prime UTR variant (1).
Genome position (GRCh38, 1-based): chrX:114,907,348, A>C. VCF-style: chrX-114907348-A-C. GRCh37 (hg19) VCF-style: chrX-114141911-A-C.
Other names: c.1310A>C, p.Gln437Pro (NM_001256760.3); c.*468A>C (NM_001256761.3); short protein forms Q437P.
Identifiers: ClinVar variation 3350168 (VCV003350168.1).